The following is an entry in ClinVar:

ClinVar aggregate classification (germline): Pathogenic (1 of 4 stars; one submission).

Conditions:
Primary ciliary dyskinesia. Also called: Ciliary dyskinesia. Identifiers: Orphanet 244, MedGen C0008780, MONDO:0016575, HP:0012265.

Allele frequency attached by ClinVar (database versions not stated): ExAC 0.00001; gnomAD exomes below 0.00001.
gnomAD v4.1: 3 of 1,614,004 alleles (0.00019%); highest among the groups gnomAD compares: Non-Finnish European, 0.00017%; no homozygotes.

Submission:

Labcorp Genetics (formerly Invitae), Labcorp
Classification: Pathogenic for Primary ciliary dyskinesia. Last evaluated: 2024-01-19. Review status: criteria provided, single submitter. Criteria: Invitae Variant Classification Sherloc (09022015). Collection method: clinical testing. Allele origin: germline.
Comment: This sequence change creates a premature translational stop signal (p.Arg446*) in the DNAAF3 gene. It is expected to result in an absent or disrupted protein product. Loss-of-function variants in DNAAF3 are known to be pathogenic (PMID: 22387996). This variant is present in population databases (rs763874734, gnomAD 0.0009%). This variant has not been reported in the literature in individuals affected with DNAAF3-related conditions. ClinVar contains an entry for this variant (Variation ID: 660592). For these reasons, this variant has been classified as Pathogenic.

Literature cited by the submitters: PubMed 22387996.

NM_001256715.2(DNAAF3):c.1135C>T (p.Arg379Ter)

Genes: DNAAF3 (dynein axonemal assembly factor 3; minus strand), DNAAF3-AS1 (DNAAF3 antisense RNA 1; plus strand). Cytogenetic location: 19q13.42.
Variant type: single nucleotide variant.
Coding change: c.1135C>T on transcript NM_001256715.2 (MANE Select); coding-DNA position 1135, C replaced by T.
Protein change: p.Arg379Ter; replaces arginine 379 with a stop codon.
Molecular consequence: nonsense.
Genome position (GRCh38, 1-based): chr19:55,159,927, G>A on the plus strand (C>T on the coding strand, the complement: DNAAF3 is on the minus strand). VCF-style: chr19-55159927-G-A. GRCh37 (hg19) VCF-style: chr19-55671295-G-A.
Other names: c.1336C>T, p.Arg446Ter (NM_001256714.1); c.973C>T, p.Arg325Ter (NM_001256716.2); c.1276C>T, p.Arg426Ter (NM_178837.4); short protein forms R426*, R325*, R446*, R379*.
Identifiers: ClinVar variation 660592 (VCV000660592.7), dbSNP rs763874734, ClinGen allele CA9667897.